The following is an entry in ClinVar:

NM_000051.4(ATM):c.2812C>T (p.Pro938Ser)

Gene: ATM (ATM serine/threonine kinase; plus strand). Cytogenetic location: 11q22.3.
Variant type: single nucleotide variant.
Coding change: c.2812C>T on transcript NM_000051.4 (MANE Select); coding-DNA position 2812, C replaced by T.
Protein change: p.Pro938Ser; replaces proline 938 with serine.
Molecular consequence: missense variant.
Genome position (GRCh38, 1-based): chr11:108,268,583, C>T. VCF-style: chr11-108268583-C-T. GRCh37 (hg19) VCF-style: chr11-108139310-C-T.
Other names: c.2812C>T, p.Pro938Ser (NM_001351834.2); short protein forms P938S.
Identifiers: ClinVar variation 858850 (VCV000858850.11), dbSNP rs1415567368, ClinGen allele CA382545733.

ClinVar aggregate classification (germline): Uncertain significance. Review status: criteria provided, multiple submitters, no conflicts (2 of 4 stars). 2 submissions from 2 submitters: Uncertain significance (2). Last evaluated 2025-12-10.

Conditions:
ATM-related cancer predisposition. Also called: ATM-related cancer susceptibility. Identifiers: MedGen CN377759, MONDO:0700270.
Ataxia-telangiectasia syndrome (AT). Also called: Ataxia-telangiectasia, complementation group D; AT, COMPLEMENTATION GROUP C; ATAXIA-TELANGIECTASIA, COMPLEMENTATION GROUP A; ATAXIA-TELANGIECTASIA, FRESNO VARIANT; Ataxia-telangiectasia; LOUIS-BAR SYNDROME. Identifiers: Orphanet 100, MedGen C0004135, MONDO:0008840, OMIM 208900.

Allele frequency attached by ClinVar (database versions not stated): gnomAD exomes below 0.00001.
gnomAD v4.1: 1 of 1,613,960 alleles (0.000062%); highest among the groups gnomAD compares: Non-Finnish European, 0.000085%; no homozygotes.

Submissions (2):

Dasa
Classification: Uncertain significance for ATM-related cancer predisposition. Last evaluated: 2025-12-10. Review status: criteria provided, single submitter. Criteria: DASA Assertion Criteria. Collection method: clinical testing. Allele origin: germline.
Comment: NM_000051.4(ATM):c.2812C>T (p.Pro938Ser) is a missense variant that results in the substitution of proline with serine. This variant is rare in population databases. Computational prediction algorithms are consistent with a benign effect. The currently available literature and clinical evidence are not sufficient to establish a definitive association between this variant and the reported condition. Therefore, this variant is classified as a variant of uncertain significance.

Labcorp Genetics (formerly Invitae), Labcorp
Classification: Uncertain significance for Ataxia-telangiectasia syndrome. Last evaluated: 2021-05-12. Review status: criteria provided, single submitter. Criteria: Invitae Variant Classification Sherloc (09022015). Collection method: clinical testing. Allele origin: germline.
Comment: This variant has not been reported in the literature in individuals with ATM-related conditions. In summary, the available evidence is currently insufficient to determine the role of this variant in disease. Therefore, it has been classified as a Variant of Uncertain Significance. Algorithms developed to predict the effect of missense changes on protein structure and function (SIFT, PolyPhen-2, Align-GVGD) all suggest that this variant is likely to be tolerated, but these predictions have not been confirmed by published functional studies and their clinical significance is uncertain. This variant is not present in population databases (ExAC no frequency). This sequence change replaces proline with serine at codon 938 of the ATM protein (p.Pro938Ser). The proline residue is weakly conserved and there is a moderate physicochemical difference between proline and serine.